The following is an entry in ClinVar:

NM_212550.5(BLOC1S3):c.325C>G (p.Leu109Val)

Gene: BLOC1S3 (biogenesis of lysosomal organelles complex 1 subunit 3; plus strand). Cytogenetic location: 19q13.32.
Variant type: single nucleotide variant.
Coding change: c.325C>G on transcript NM_212550.5 (MANE Select); coding-DNA position 325, C replaced by G.
Protein change: p.Leu109Val; replaces leucine 109 with valine.
Molecular consequence: missense variant.
Genome position (GRCh38, 1-based): chr19:45,179,621, C>G. VCF-style: chr19-45179621-C-G. GRCh37 (hg19) VCF-style: chr19-45682879-C-G.
Other names: short protein forms L109V.
Identifiers: ClinVar variation 1507029 (VCV001507029.7), dbSNP rs1171755679, ClinGen allele CA406344586.

ClinVar aggregate classification (germline): Uncertain significance (1 of 4 stars; one submission).

Submission:

Labcorp Genetics (formerly Invitae), Labcorp
Classification: Uncertain significance. Last evaluated: 2025-01-13. Review status: criteria provided, single submitter. Criteria: Invitae Variant Classification Sherloc (09022015). Collection method: clinical testing. Allele origin: germline.
Comment: This sequence change replaces leucine, which is neutral and non-polar, with valine, which is neutral and non-polar, at codon 109 of the BLOC1S3 protein (p.Leu109Val). This variant is present in population databases (no rsID available, gnomAD 0.01%). This variant has not been reported in the literature in individuals affected with BLOC1S3-related conditions. ClinVar contains an entry for this variant (Variation ID: 1507029). An algorithm developed to predict the effect of missense changes on protein structure and function (PolyPhen-2) suggests that this variant is likely to be disruptive. In summary, the available evidence is currently insufficient to determine the role of this variant in disease. Therefore, it has been classified as a Variant of Uncertain Significance.